The following is an entry in ClinVar:

NM_018027.5(FRMD4A):c.3065A>T (p.Asn1022Ile)

Genes: FRMD4A (FERM domain containing 4A; minus strand), PRPF18 (pre-mRNA processing factor 18; plus strand). Cytogenetic location: 10p13.
Variant type: single nucleotide variant.
Coding change: c.3065A>T on transcript NM_018027.5 (MANE Select); coding-DNA position 3065, A replaced by T.
Protein change: p.Asn1022Ile; replaces asparagine 1022 with isoleucine.
Molecular consequence: missense variant.
Genome position (GRCh38, 1-based): chr10:13,651,960, T>A on the plus strand (A>T on the coding strand, the complement: FRMD4A is on the minus strand). VCF-style: chr10-13651960-T-A. GRCh37 (hg19) VCF-style: chr10-13693960-T-A.
Other names: c.3113A>T, p.Asn1038Ile (NM_001318336.2); c.3164A>T, p.Asn1055Ile (NM_001318337.2); c.2138A>T, p.Asn713Ile (NM_001318338.2); short protein forms N1022I, N1038I, N1055I, N713I.
Identifiers: ClinVar variation 785306 (VCV000785306.6), dbSNP rs116500624, ClinGen allele CA5413816.

ClinVar aggregate classification (germline): Benign. Review status: criteria provided, single submitter (1 of 4 stars). 2 submissions from 2 submitters: Benign (1). 1 of the submissions does not count toward it. Last evaluated 2019-12-31.

Conditions:
FRMD4A-related disorder. Also called: FRMD4A-related condition.

Allele frequency attached by ClinVar (database versions not stated): gnomAD exomes 0.00044 and 0.00121; ExAC 0.00149; ESP Exome Variant Server 0.00492; gnomAD 0.00527 and 0.00561; 1000 Genomes Project 0.00539; TOPMed 0.00544; 1000 Genomes Project 30x 0.00547.
gnomAD v4.1: 1,459 of 1,586,948 alleles (0.092%); highest among the groups gnomAD compares: African/African-American, 1.7%; 11 homozygotes.

Submissions (2):

Labcorp Genetics (formerly Invitae), Labcorp
Classification: Benign. Last evaluated: 2019-12-31. Review status: criteria provided, single submitter. Criteria: Invitae Variant Classification Sherloc (09022015). Collection method: clinical testing. Allele origin: germline.

PreventionGenetics, part of Exact Sciences
Classification: Benign for FRMD4A-related condition. Last evaluated: 2019-05-01. Review status: no assertion criteria provided. Collection method: clinical testing. Allele origin: germline. Not counted in ClinVar's aggregate classification.
Comment: This variant is classified as benign based on ACMG/AMP sequence variant interpretation guidelines (Richards et al. 2015 PMID: 25741868, with internal and published modifications).